The following is an entry in ClinVar:

NM_003265.3(TLR3):c.752G>C (p.Arg251Pro)

Gene: TLR3 (toll like receptor 3; plus strand). Cytogenetic location: 4q35.1.
Variant type: single nucleotide variant.
Coding change: c.752G>C on transcript NM_003265.3 (MANE Select); coding-DNA position 752, G replaced by C.
Protein change: p.Arg251Pro; replaces arginine 251 with proline.
Molecular consequence: missense variant.
Genome position (GRCh38, 1-based): chr4:186,082,438, G>C. VCF-style: chr4-186082438-G-C. GRCh37 (hg19) VCF-style: chr4-187003592-G-C.
Other names: short protein forms R251P.
Identifiers: ClinVar variation 1358566 (VCV001358566.1), dbSNP rs539192081, ClinGen allele CA358929104.
Genomic context (GRCh38, chr4:186,082,438, plus strand): 5'-TCCAGCTGGGTCCCAGCCTTACAGAGAAGCTATGTTTGGAATTAGCAAACACAAGCATTC[G>C]GAATCTGTCTCTGAGTAACAGCCAGCTGTCCACCACCAGCAATACAACTTTCTTGGGACT-3'
Protein context (NP_003256.1, residues 241-261): LCLELANTSI[Arg251Pro]NLSLSNSQLS

ClinVar aggregate classification (germline): Uncertain significance (1 of 4 stars; one submission).

Conditions:
Encephalopathy, acute, infection-induced (herpes-specific), susceptibility to, 1. Also called: Herpes simplex encephalitis, susceptibility to, 1. Identifiers: Orphanet 1930, MedGen C2750180, MONDO:0024563, OMIM 610551.

Submission:

Labcorp Genetics (formerly Invitae), Labcorp
Classification: Uncertain significance for Encephalopathy, acute, infection-induced (herpes-specific), susceptibility to, 1. Last evaluated: 2021-08-19. Review status: criteria provided, single submitter. Criteria: Invitae Variant Classification Sherloc (09022015). Collection method: clinical testing. Allele origin: germline.
Comment: This sequence change replaces arginine with proline at codon 251 of the TLR3 protein (p.Arg251Pro). The arginine residue is weakly conserved and there is a moderate physicochemical difference between arginine and proline. This variant is not present in population databases (ExAC no frequency). This variant has not been reported in the literature in individuals affected with TLR3-related conditions. Algorithms developed to predict the effect of missense changes on protein structure and function are either unavailable or do not agree on the potential impact of this missense change (SIFT: "Tolerated"; PolyPhen-2: "Possibly Damaging"; Align-GVGD: "Class C0"). In summary, the available evidence is currently insufficient to determine the role of this variant in disease. Therefore, it has been classified as a Variant of Uncertain Significance.